The following is an entry in ClinVar:

ClinVar aggregate classification (germline): Benign/Likely benign. Review status: criteria provided, multiple submitters, no conflicts (2 of 4 stars). 3 submissions from 3 submitters: Benign (1); Likely benign (1). 1 of the submissions does not count toward it. Last evaluated 2026-02-04.

Conditions:
FCHO1-related disorder. Also called: FCHO1-related condition.

Allele frequency attached by ClinVar (database versions not stated): gnomAD 0.00007 and 0.00009; gnomAD exomes 0.00008 and 0.00026; TOPMed 0.00017; ExAC 0.00031; 1000 Genomes Project 30x 0.00062; 1000 Genomes Project 0.00080.
gnomAD v4.1: 198 of 1,613,954 alleles (0.012%); highest among the groups gnomAD compares: East Asian, 0.24%; 2 homozygotes.

Submissions (4):

Labcorp Genetics (formerly Invitae), Labcorp
Classification: Benign. Last evaluated: 2026-02-04. Review status: criteria provided, single submitter. Criteria: Invitae Variant Classification Sherloc (09022015). Collection method: clinical testing. Allele origin: germline.

Blueprint Genetics
Classification: Likely benign. Last evaluated: 2024-11-27. Review status: criteria provided, single submitter. Criteria: ACMG Guidelines, 2015. Collection method: clinical testing. Allele origin: germline.

PreventionGenetics, part of Exact Sciences
Classification: Likely benign for FCHO1-related condition. Last evaluated: 2020-10-30. Review status: no assertion criteria provided. Collection method: clinical testing. Allele origin: germline. Not counted in ClinVar's aggregate classification.
Comment: This variant is classified as likely benign based on ACMG/AMP sequence variant interpretation guidelines (Richards et al. 2015 PMID: 25741868, with internal and published modifications).

Dr. Peter K. Rogan Lab, Western University
No classification provided (evidence only). Condition: Gastric cancer. Review status: no classification provided. Collection method: in vitro. Allele origin: not applicable. Functional consequence: retained intron. Not counted in ClinVar's aggregate classification.

NM_015122.3(FCHO1):c.414C>T (p.Arg138=)

Gene: FCHO1 (FCH and mu domain containing endocytic adaptor 1; plus strand). Cytogenetic location: 19p13.11.
Variant type: single nucleotide variant.
Coding change: c.414C>T on transcript NM_015122.3 (MANE Select); coding-DNA position 414, C replaced by T.
Protein change: p.Arg138=; no amino-acid change (arginine 138 retained).
Molecular consequence: synonymous variant.
Genome position (GRCh38, 1-based): chr19:17,770,502, C>T. VCF-style: chr19-17770502-C-T. GRCh37 (hg19) VCF-style: chr19-17881311-C-T.
Other names: c.414C>T, p.Arg138= (NM_001161357.2, NM_001161358.2); c.264C>T, p.Arg88= (NM_001161359.2).
Identifiers: ClinVar variation 731284 (VCV000731284.13), dbSNP rs192634000, ClinGen allele CA9300082.